The following is an entry in ClinVar:

ClinVar aggregate classification (germline): Uncertain significance (1 of 4 stars; one submission).

Conditions:
Autoimmune lymphoproliferative syndrome, type III caused by mutation in PRKCD. Identifiers: Orphanet 3261, Orphanet 664711, MedGen C3809928, MONDO:8000024, OMIM 615559.

Allele frequency attached by ClinVar (database versions not stated): gnomAD exomes 0.00001 and below 0.00001; TOPMed 0.00001.
gnomAD v4.1: 2 of 1,614,062 alleles (0.00012%); highest among the groups gnomAD compares: Non-Finnish European, 0.00017%; no homozygotes.

Submission:

Labcorp Genetics (formerly Invitae), Labcorp
Classification: Uncertain significance for Autoimmune lymphoproliferative syndrome, type III caused by mutation in PRKCD. Last evaluated: 2022-08-03. Review status: criteria provided, single submitter. Criteria: Invitae Variant Classification Sherloc (09022015). Collection method: clinical testing. Allele origin: germline.
Comment: This variant has not been reported in the literature in individuals affected with PRKCD-related conditions. This variant is present in population databases (no rsID available, gnomAD 0.002%). This sequence change replaces phenylalanine, which is neutral and non-polar, with valine, which is neutral and non-polar, at codon 375 of the PRKCD protein (p.Phe375Val). ClinVar contains an entry for this variant (Variation ID: 1056604). In summary, the available evidence is currently insufficient to determine the role of this variant in disease. Therefore, it has been classified as a Variant of Uncertain Significance. Algorithms developed to predict the effect of missense changes on protein structure and function (SIFT, PolyPhen-2, Align-GVGD) all suggest that this variant is likely to be disruptive.

NM_006254.4(PRKCD):c.1123T>G (p.Phe375Val)

Gene: PRKCD (protein kinase C delta; plus strand). Cytogenetic location: 3p21.1.
Variant type: single nucleotide variant.
Coding change: c.1123T>G on transcript NM_006254.4 (MANE Select); coding-DNA position 1123, T replaced by G.
Protein change: p.Phe375Val; replaces phenylalanine 375 with valine.
Molecular consequence: missense variant.
Genome position (GRCh38, 1-based): chr3:53,186,203, T>G. VCF-style: chr3-53186203-T-G. GRCh37 (hg19) VCF-style: chr3-53220219-T-G.
Other names: c.1123T>G, p.Phe375Val (NM_001316327.2, NM_001354679.2, NM_001354680.2 and 1 more transcripts); c.1180T>G, p.Phe394Val (NM_001354676.2); c.1171T>G, p.Phe391Val (NM_001354678.2); short protein forms F375V, F391V, F394V.
Identifiers: ClinVar variation 1056604 (VCV001056604.4), dbSNP rs1003630344, ClinGen allele CA74814237.
Genomic context (GRCh38, chr3:53,186,203, plus strand): 5'-TCAGCACCCGTGTCTCCCCATCAGGTGCTGCTTGGAGAGCTGAAGGGCAGAGGAGAGTAC[T>G]TTGCCATCAAGGCCCTCAAGAAGGATGTGGTCCTGATCGACGACGACGTGGAGTGCACCA-3'
Protein context (NP_006245.2, residues 365-385): LGELKGRGEY[Phe375Val]AIKALKKDVV